The following is an entry in ClinVar:

ClinVar aggregate classification (germline): Uncertain significance (1 of 4 stars; one submission).

Conditions:
Congenital myasthenic syndrome 14. Also called: Myasthenic syndrome, congenital, 14, with tubular aggregates. Identifiers: Orphanet 353327, Orphanet 590, MedGen C4015597, MONDO:0014543, OMIM 616228.
Congenital disorder of glycosylation, type Ii. Also called: ALG2-congenital disorder of glycosylation; ALG2-CDG; CDG Ii. Identifiers: Orphanet 79326, MedGen C1842836, MONDO:0011933, OMIM 607906.

Allele frequency attached by ClinVar (database versions not stated): gnomAD exomes 0.00001; gnomAD 0.00003; TOPMed 0.00001.
gnomAD v4.1: 20 of 1,588,034 alleles (0.0013%); highest among the groups gnomAD compares: Non-Finnish European, 0.0016%; no homozygotes.

Submission:

Labcorp Genetics (formerly Invitae), Labcorp
Classification: Uncertain significance for Congenital disorder of glycosylation, type Ii; Congenital myasthenic syndrome 14. Last evaluated: 2025-07-31. Review status: criteria provided, single submitter. Criteria: Invitae Variant Classification Sherloc (09022015). Collection method: clinical testing. Allele origin: germline.
Comment: This sequence change replaces glutamic acid, which is acidic and polar, with lysine, which is basic and polar, at codon 4 of the ALG2 protein (p.Glu4Lys). This variant is present in population databases (no rsID available, gnomAD 0.01%). This variant has not been reported in the literature in individuals affected with ALG2-related conditions. ClinVar contains an entry for this variant (Variation ID: 533477). An algorithm developed to predict the effect of missense changes on protein structure and function outputs the following: PolyPhen-2: "Benign". The lysine amino acid residue is found in multiple mammalian species, which suggests that this missense change does not adversely affect protein function. In summary, the available evidence is currently insufficient to determine the role of this variant in disease. Therefore, it has been classified as a Variant of Uncertain Significance.

NM_033087.4(ALG2):c.10G>A (p.Glu4Lys)

Gene: ALG2 (ALG2 alpha-1,3/1,6-mannosyltransferase; minus strand). Cytogenetic location: 9q22.33.
Variant type: single nucleotide variant.
Coding change: c.10G>A on transcript NM_033087.4 (MANE Select); coding-DNA position 10, G replaced by A.
Protein change: p.Glu4Lys; replaces glutamic acid 4 with lysine.
Molecular consequence: missense variant. On other transcripts: non-coding transcript variant (1).
Genome position (GRCh38, 1-based): chr9:99,221,885, C>T on the plus strand (G>A on the coding strand, the complement: ALG2 is on the minus strand). VCF-style: chr9-99221885-C-T. GRCh37 (hg19) VCF-style: chr9-101984167-C-T.
Other names: short protein forms E4K.
Identifiers: ClinVar variation 533477 (VCV000533477.6), dbSNP rs1329170357, ClinGen allele CA374233186.
Genomic context (GRCh38, chr9:99,221,885, plus strand): 5'-GGTCTGGGTGGAGGAACAGCACCGACGGCTTGGGAACCGAGTCCCGTTCCCGGCCCTGCT[C>T]CTCCGCCATGGCCCTGGAGCCGCAACTGCACCCCGCACCCTGATGGGGGTCTTCTGCGCA-3'
Protein context (NP_149078.1, residues 1-14): MAE[Glu4Lys]QGRERDSVPK